The following is an entry in ClinVar:

ClinVar aggregate classification (germline): Uncertain significance (1 of 4 stars; one submission).

Allele frequency attached by ClinVar (database versions not stated): TOPMed below 0.00001; gnomAD 0.00001.
gnomAD v4.1: 1 of 1,613,756 alleles (0.000062%); highest among the groups gnomAD compares: Non-Finnish European, 0.000085%; no homozygotes.

Submission:

Ambry Genetics
Classification: Uncertain significance. Last evaluated: 2024-08-12. Review status: criteria provided, single submitter. Criteria: Ambry Variant Classification Scheme 2023. Collection method: clinical testing. Allele origin: germline.
Comment: The p.L166S variant (also known as c.497T>C), located in coding exon 6 of the FAM175A gene, results from a T to C substitution at nucleotide position 497. The leucine at codon 166 is replaced by serine, an amino acid with dissimilar properties. This amino acid position is conserved. In addition, this alteration is predicted to be deleterious by in silico analysis. Since supporting evidence is limited at this time, the clinical significance of this alteration remains unclear.

NM_139076.3(ABRAXAS1):c.497T>C (p.Leu166Ser)

Gene: ABRAXAS1 (abraxas 1, BRCA1 A complex subunit; minus strand). Cytogenetic location: 4q21.23.
Variant type: single nucleotide variant.
Coding change: c.497T>C on transcript NM_139076.3 (MANE Select); coding-DNA position 497, T replaced by C.
Protein change: p.Leu166Ser; replaces leucine 166 with serine.
Molecular consequence: missense variant.
Genome position (GRCh38, 1-based): chr4:83,469,131, A>G on the plus strand (T>C on the coding strand, the complement: ABRAXAS1 is on the minus strand). VCF-style: chr4-83469131-A-G. GRCh37 (hg19) VCF-style: chr4-84390284-A-G.
Other names: c.170T>C, p.Leu57Ser (NM_001345962.2); short protein forms L166S, L57S.
Identifiers: ClinVar variation 1799902 (VCV001799902.3), dbSNP rs1250821832, ClinGen allele CA357259606.